The following is an entry in ClinVar:

NM_004187.5(KDM5C):c.3313T>C (p.Cys1105Arg)

Gene: KDM5C (lysine demethylase 5C; minus strand). Cytogenetic location: Xp11.22.
Variant type: single nucleotide variant.
Coding change: c.3313T>C on transcript NM_004187.5 (MANE Select); coding-DNA position 3313, T replaced by C.
Protein change: p.Cys1105Arg; replaces cysteine 1105 with arginine.
Molecular consequence: missense variant. On other transcripts: non-coding transcript variant (3).
Genome position (GRCh38, 1-based): chrX:53,195,056, A>G on the plus strand (T>C on the coding strand, the complement: KDM5C is on the minus strand). VCF-style: chrX-53195056-A-G. GRCh37 (hg19) VCF-style: chrX-53224238-A-G.
Other names: c.3112T>C, p.Cys1038Arg (NM_001146702.2); c.3310T>C, p.Cys1104Arg (NM_001282622.3, NM_001353979.2, NM_001353982.2); c.3313T>C, p.Cys1105Arg (NM_001353978.3, NM_001353981.2, NM_001353984.2); short protein forms C1038R, C1104R, C1105R.
Identifiers: ClinVar variation 1800751 (VCV001800751.2), dbSNP rs2519381515, ClinGen allele CA413109992.

ClinVar aggregate classification (germline): Uncertain significance (1 of 4 stars; one submission).

Submission:

GeneDx
Classification: Uncertain significance. Last evaluated: 2026-07-25. Review status: criteria provided, single submitter. Criteria: GeneDx Variant Classification Process June 2021. Collection method: clinical testing. Allele origin: germline.
Comment: Not observed at significant frequency in large population cohorts (gnomAD); In silico analysis suggests that this missense variant does not alter protein structure/function; Has not been previously published as pathogenic or benign to our knowledge